The following is an entry in ClinVar:

ClinVar aggregate classification (germline): Uncertain significance (1 of 4 stars; one submission).

Conditions:
RASopathy. Also called: Noonan spectrum disorder; rasopathies. Identifiers: Orphanet 536391, MedGen C5555857, MONDO:0021060.

Allele frequency attached by ClinVar (database versions not stated): gnomAD exomes below 0.00001; ExAC 0.00001.
gnomAD v4.1: 1 of 1,614,028 alleles (0.000062%); highest among the groups gnomAD compares: Non-Finnish European, 0.000085%; no homozygotes.

Submission:

Labcorp Genetics (formerly Invitae), Labcorp
Classification: Uncertain significance for RASopathy. Last evaluated: 2024-10-18. Review status: criteria provided, single submitter. Criteria: Invitae Variant Classification Sherloc (09022015). Collection method: clinical testing. Allele origin: germline.
Comment: This sequence change replaces serine, which is neutral and polar, with arginine, which is basic and polar, at codon 639 of the CBL protein (p.Ser639Arg). This variant is not present in population databases (gnomAD no frequency). This variant has not been reported in the literature in individuals affected with CBL-related conditions. Invitae Evidence Modeling of protein sequence and biophysical properties (such as structural, functional, and spatial information, amino acid conservation, physicochemical variation, residue mobility, and thermodynamic stability) indicates that this missense variant is not expected to disrupt CBL protein function with a negative predictive value of 95%. In summary, the available evidence is currently insufficient to determine the role of this variant in disease. Therefore, it has been classified as a Variant of Uncertain Significance.

NM_005188.4(CBL):c.1917C>G (p.Ser639Arg)

Gene: CBL (Cbl proto-oncogene; plus strand). Cytogenetic location: 11q23.3.
Variant type: single nucleotide variant.
Coding change: c.1917C>G on transcript NM_005188.4 (MANE Select); coding-DNA position 1917, C replaced by G.
Protein change: p.Ser639Arg; replaces serine 639 with arginine.
Molecular consequence: missense variant.
Genome position (GRCh38, 1-based): chr11:119,285,542, C>G. VCF-style: chr11-119285542-C-G. GRCh37 (hg19) VCF-style: chr11-119156252-C-G.
Other names: short protein forms S639R.
Identifiers: ClinVar variation 2976518 (VCV002976518.3), dbSNP rs775290617, ClinGen allele CA6318623.